The following is an entry in ClinVar:

ClinVar aggregate classification (germline): Pathogenic. Review status: criteria provided, multiple submitters, no conflicts (2 of 4 stars). 2 submissions from 2 submitters: Pathogenic (2). Last evaluated 2026-02-17.

Conditions:
Ornithine aminotransferase deficiency (GACR). Also called: Ornithine ketoacid aminotransferase deficiency; Gyrate atrophy; Gyrate atrophy of choroid and retina; Girate atrophy of the retina; HYPERORNITHINEMIA WITH GYRATE ATROPHY OF CHOROID AND RETINA; OKT DEFICIENCY. Identifiers: Orphanet 414, MedGen C0018425, MONDO:0009796, OMIM 258870.

Allele frequency attached by ClinVar (database versions not stated): gnomAD exomes below 0.00001; TOPMed below 0.00001.
gnomAD v4.1: 1 of 1,601,706 alleles (0.000062%); highest among the groups gnomAD compares: Non-Finnish European, 0.000085%; no homozygotes.

Submissions (2):

Myriad Genetics, Inc.
Classification: Pathogenic for Ornithine aminotransferase deficiency. Last evaluated: 2026-02-17. Review status: criteria provided, single submitter. Criteria: Myriad Autosomal Dominant, Autosomal Recessive and X-Linked Classification Criteria (2023). Collection method: clinical testing. Allele origin: unknown.
Comment: NM_000274.3(OAT):c.1150G>T(E384*) is a nonsense variant classified as pathogenic in the context of ornithine aminotransferase deficiency. E384* has not been observed in cases with relevant disease. Relevant functional assessments of this variant are not available in the literature. E384* has not been observed in referenced population frequency databases. In summary, NM_000274.3(OAT):c.1150G>T(E384*) is a nonsense variant in a gene where loss of function is a known mechanism of disease and is predicted to disrupt protein function. Please note: this variant was assessed in the context of healthy population screening.

Labcorp Genetics (formerly Invitae), Labcorp
Classification: Pathogenic for Ornithine aminotransferase deficiency. Last evaluated: 2023-03-15. Review status: criteria provided, single submitter. Criteria: Invitae Variant Classification Sherloc (09022015). Collection method: clinical testing. Allele origin: germline.
Comment: This variant has not been reported in the literature in individuals affected with OAT-related conditions. For these reasons, this variant has been classified as Pathogenic. This variant disrupts a region of the OAT protein in which other variant(s) (p.Arg426*) have been determined to be pathogenic (PMID: 1609808, 23076989, 24429551). This suggests that this is a clinically significant region of the protein, and that variants that disrupt it are likely to be disease-causing. ClinVar contains an entry for this variant (Variation ID: 1075483). This variant is not present in population databases (gnomAD no frequency). This sequence change creates a premature translational stop signal (p.Glu384*) in the OAT gene. While this is not anticipated to result in nonsense mediated decay, it is expected to disrupt the last 56 amino acid(s) of the OAT protein.

Literature cited by the submitters: PubMed 1609808 (cited by Labcorp Genetics (formerly Invitae), Labcorp); PubMed 23076989 (cited by Labcorp Genetics (formerly Invitae), Labcorp); PubMed 24429551 (cited by Labcorp Genetics (formerly Invitae), Labcorp).

NM_000274.4(OAT):c.1150G>T (p.Glu384Ter)

Gene: OAT (ornithine aminotransferase; minus strand). Cytogenetic location: 10q26.13.
Variant type: single nucleotide variant.
Coding change: c.1150G>T on transcript NM_000274.4 (MANE Select); coding-DNA position 1150, G replaced by T.
Protein change: p.Glu384Ter; replaces glutamic acid 384 with a stop codon.
Molecular consequence: nonsense.
Genome position (GRCh38, 1-based): chr10:124,400,849, C>A on the plus strand (G>T on the coding strand, the complement: OAT is on the minus strand). VCF-style: chr10-124400849-C-A. GRCh37 (hg19) VCF-style: chr10-126089418-C-A.
Other names: c.736G>T, p.Glu246Ter (NM_001171814.2); c.1150G>T, p.Glu384Ter (NM_001322965.2, NM_001322966.2, NM_001322967.2 and 3 more transcripts); c.829G>T, p.Glu277Ter (NM_001322971.2); c.550G>T, p.Glu184Ter (NM_001322974.2); short protein forms E184*, E246*, E277*, E384*.
Identifiers: ClinVar variation 1075483 (VCV001075483.10), dbSNP rs1285313333, ClinGen allele CA378633518.